The following is an entry in ClinVar:

ClinVar aggregate classification (germline): Likely benign (1 of 4 stars; one submission).

Allele frequency attached by ClinVar (database versions not stated): 1000 Genomes Project 30x 0.00094; 1000 Genomes Project 0.00100; ESP Exome Variant Server 0.00187; ExAC 0.00225; gnomAD 0.00254; TOPMed 0.00277; gnomAD exomes 0.00402.
gnomAD v4.1: 6,176 of 1,611,282 alleles (0.38%); highest among the groups gnomAD compares: Non-Finnish European, 0.48%; 19 homozygotes.

Submission:

CeGaT Center for Human Genetics Tuebingen
Classification: Likely benign. Last evaluated: 2023-01-01. Review status: criteria provided, single submitter. Criteria: CeGaT Center For Human Genetics Tuebingen Variant Classification Criteria Version 2. Collection method: clinical testing. Allele origin: germline. Affected: yes. Observed: 2 variant alleles.
Comment: OSBP2: BP4, BP7, BS2

NM_030758.4(OSBP2):c.258G>A (p.Thr86=)

Gene: OSBP2 (oxysterol binding protein 2; plus strand). Cytogenetic location: 22q12.2.
Variant type: single nucleotide variant.
Coding change: c.258G>A on transcript NM_030758.4 (MANE Select); coding-DNA position 258, G replaced by A.
Protein change: p.Thr86=; no amino-acid change (threonine 86 retained).
Molecular consequence: synonymous variant. On other transcripts: intron variant (1).
Genome position (GRCh38, 1-based): chr22:30,695,167, G>A. VCF-style: chr22-30695167-G-A. GRCh37 (hg19) VCF-style: chr22-31091154-G-A.
Other names: c.258G>A, p.Thr86= (NM_001282739.2); c.149+823G>A (NM_001282738.2).
Identifiers: ClinVar variation 2653060 (VCV002653060.24), dbSNP rs41279969, ClinGen allele CA10185593.